The following is an entry in ClinVar:

ClinVar aggregate classification (germline): Uncertain significance (1 of 4 stars; one submission).

Conditions:
LAMA2-related muscular dystrophy (LAMA2-RD). Also called: Laminin alpha 2-related dystrophy. Identifiers: MedGen C5679788, MONDO:0100228.

Allele frequency attached by ClinVar (database versions not stated): ExAC 0.00001; TOPMed 0.00004.
gnomAD v4.1: 33 of 1,613,596 alleles (0.002%); highest among the groups gnomAD compares: East Asian, 0.0045%; no homozygotes.

Submission:

Labcorp Genetics (formerly Invitae), Labcorp
Classification: Uncertain significance for LAMA2-related muscular dystrophy. Last evaluated: 2022-05-20. Review status: criteria provided, single submitter. Criteria: Invitae Variant Classification Sherloc (09022015). Collection method: clinical testing. Allele origin: germline.
Comment: This sequence change replaces arginine, which is basic and polar, with histidine, which is basic and polar, at codon 1588 of the LAMA2 protein (p.Arg1588His). This variant is present in population databases (rs138765295, gnomAD 0.003%). This missense change has been observed in individual(s) with dilated cardiomyopathy (PMID: 31983221). ClinVar contains an entry for this variant (Variation ID: 1002541). Advanced modeling of protein sequence and biophysical properties (such as structural, functional, and spatial information, amino acid conservation, physicochemical variation, residue mobility, and thermodynamic stability) performed at Invitae indicates that this missense variant is not expected to disrupt LAMA2 protein function. In summary, the available evidence is currently insufficient to determine the role of this variant in disease. Therefore, it has been classified as a Variant of Uncertain Significance.

Literature cited by the submitters: PubMed 31983221.

NM_000426.4(LAMA2):c.4763G>A (p.Arg1588His)

Gene: LAMA2 (laminin subunit alpha 2; plus strand). Cytogenetic location: 6q22.33.
Variant type: single nucleotide variant.
Coding change: c.4763G>A on transcript NM_000426.4 (MANE Select); coding-DNA position 4763, G replaced by A.
Protein change: p.Arg1588His; replaces arginine 1588 with histidine.
Molecular consequence: missense variant.
Genome position (GRCh38, 1-based): chr6:129,366,264, G>A. VCF-style: chr6-129366264-G-A. GRCh37 (hg19) VCF-style: chr6-129687409-G-A.
Other names: c.4763G>A, p.Arg1588His (NM_001079823.2); short protein forms R1588H.
Identifiers: ClinVar variation 1002541 (VCV001002541.6), dbSNP rs138765295, ClinGen allele CA3993663.